The following is an entry in ClinVar:

NM_004606.5(TAF1):c.2129G>A (p.Gly710Glu)

Gene: TAF1 (TATA-box binding protein associated factor 1; plus strand). Cytogenetic location: Xq13.1.
Variant type: single nucleotide variant.
Coding change: c.2129G>A on transcript NM_004606.5 (MANE Select); coding-DNA position 2129, G replaced by A.
Protein change: p.Gly710Glu; replaces glycine 710 with glutamic acid.
Molecular consequence: missense variant. On other transcripts: non-coding transcript variant (9).
Genome position (GRCh38, 1-based): chrX:71,384,952, G>A. VCF-style: chrX-71384952-G-A. GRCh37 (hg19) VCF-style: chrX-70604802-G-A.
Other names: c.2129G>A, p.Gly710Glu (NM_001286074.2); c.2066G>A, p.Gly689Glu (NM_138923.4); short protein forms G689E, G710E.
Identifiers: ClinVar variation 1387809 (VCV001387809.6), dbSNP rs2148306510, ClinGen allele CA413517517.

ClinVar aggregate classification (germline): Uncertain significance (1 of 4 stars; one submission).

Submission:

Labcorp Genetics (formerly Invitae), Labcorp
Classification: Uncertain significance. Last evaluated: 2021-04-15. Review status: criteria provided, single submitter. Criteria: Invitae Variant Classification Sherloc (09022015). Collection method: clinical testing. Allele origin: germline.
Comment: This sequence change replaces glycine with glutamic acid at codon 730 of the TAF1 protein (p.Gly730Glu). The glycine residue is moderately conserved and there is a moderate physicochemical difference between glycine and glutamic acid. This variant is not present in population databases (ExAC no frequency). This variant has not been reported in the literature in individuals with TAF1-related conditions. Advanced modeling of protein sequence and biophysical properties (such as structural, functional, and spatial information, amino acid conservation, physicochemical variation, residue mobility, and thermodynamic stability) performed at Invitae indicates that this missense variant is expected to disrupt TAF1 protein function. In summary, the available evidence is currently insufficient to determine the role of this variant in disease. Therefore, it has been classified as a Variant of Uncertain Significance.